The following is an entry in ClinVar:

NM_000059.4(BRCA2):c.1329del (p.Asn444fs)

Gene: BRCA2 (BRCA2 DNA repair associated; plus strand). Cytogenetic location: 13q13.1.
Variant type: Deletion.
Coding change: c.1329del on transcript NM_000059.4 (MANE Select); coding-DNA position 1329, one base deleted (G; older notation c.1329delG).
Protein change: p.Asn444fs; shifts the reading frame from asparagine 444.
Molecular consequence: frameshift variant.
Genome position (GRCh38, 1-based): chr13:32,332,807, G deleted. VCF-style (leftmost placement, unchanged base first): chr13-32332806-AG-A. GRCh37 (hg19) VCF-style: chr13-32906943-AG-A.
Other names: c.1329delG (NM_000059.3); short protein forms N444fs.
Identifiers: ClinVar variation 225715 (VCV000225715.17), dbSNP rs869320781, ClinGen allele CA10576062.

ClinVar aggregate classification (germline): Pathogenic. Review status: reviewed by expert panel (3 of 4 stars). 7 submissions from 7 submitters: Pathogenic (1). 6 of the submissions do not count toward it. Last evaluated 2017-12-15.

Conditions:
Hereditary cancer-predisposing syndrome. Also called: Tumor predisposition; Neoplastic Syndromes, Hereditary; Hereditary neoplastic syndrome; Hereditary Cancer Syndrome. Identifiers: Orphanet 140162, MedGen C0027672, MeSH D009386, MONDO:0015356.
Breast-ovarian cancer, familial, susceptibility to, 2 (BROVCA2). Also called: BRCA2 Hereditary Breast and Ovarian Cancer. Identifiers: Orphanet 145, MedGen C2675520, MONDO:0012933, OMIM 612555. Disease mechanism: loss of function.
Hereditary breast ovarian cancer syndrome. Also called: Hereditary breast and/or ovarian cancer syndrome; Hereditary breast and ovarian cancer syndrome (HBOC); Breast and ovarian cancer; Hereditary breast and ovarian cancer; BRCA1- and BRCA2-Associated Hereditary Breast and Ovarian Cancer; Hereditary breast and ovarian cancer syndrome. Identifiers: Orphanet 145, MedGen C0677776, MeSH D061325, MONDO:0003582. Disease mechanism: loss of function.
Familial cancer of breast. Also called: Hereditary breast cancer; hereditary breast carcinoma; BREAST CANCER, FAMILIAL. Identifiers: Orphanet 227535, MedGen C0346153, MONDO:0016419, OMIM 114480. Disease mechanism: loss of function.

Submissions (7):

Evidence-based Network for the Interpretation of Germline Mutant Alleles (ENIGMA)
Classification: Pathogenic for Breast-ovarian cancer, familial, susceptibility to, 2. Last evaluated: 2017-12-15. Review status: reviewed by expert panel. Criteria: ENIGMA BRCA1/2 Classification Criteria (2017-06-29). Collection method: curation. Allele origin: germline. Study: ENIGMA.
Comment: Variant allele predicted to encode a truncated non-functional protein.

Ambry Genetics
Classification: Pathogenic for Hereditary cancer-predisposing syndrome. Last evaluated: 2024-03-27. Review status: criteria provided, single submitter. Criteria: Ambry Variant Classification Scheme 2023. Collection method: clinical testing. Allele origin: germline. Not counted in ClinVar's aggregate classification.
Comment: The c.1329delG pathogenic mutation, located in coding exon 9 of the BRCA2 gene, results from a deletion of one nucleotide at nucleotide position 1329, causing a translational frameshift with a predicted alternate stop codon (p.N444Ifs*16). This alteration is expected to result in loss of function by premature protein truncation or nonsense-mediated mRNA decay. As such, this alteration is interpreted as a disease-causing mutation.

Labcorp Genetics (formerly Invitae), Labcorp
Classification: Pathogenic for Hereditary breast ovarian cancer syndrome. Last evaluated: 2023-10-27. Review status: criteria provided, single submitter. Criteria: Invitae Variant Classification Sherloc (09022015). Collection method: clinical testing. Allele origin: germline. Not counted in ClinVar's aggregate classification.
Comment: This sequence change creates a premature translational stop signal (p.Asn444Ilefs*16) in the BRCA2 gene. It is expected to result in an absent or disrupted protein product. Loss-of-function variants in BRCA2 are known to be pathogenic (PMID: 20104584). This variant is not present in population databases (gnomAD no frequency). This variant has not been reported in the literature in individuals affected with BRCA2-related conditions. ClinVar contains an entry for this variant (Variation ID: 225715). For these reasons, this variant has been classified as Pathogenic.

Baylor Genetics
Classification: Likely pathogenic for Familial cancer of breast. Last evaluated: 2023-09-08. Review status: criteria provided, single submitter. Criteria: ACMG Guidelines, 2015. Collection method: clinical testing. Allele origin: unknown. Not counted in ClinVar's aggregate classification.

Color Diagnostics, LLC DBA Color Health
Classification: Pathogenic for Hereditary cancer-predisposing syndrome. Last evaluated: 2020-05-20. Review status: criteria provided, single submitter. Criteria: ACMG Guidelines, 2015. Collection method: clinical testing. Allele origin: germline. Not counted in ClinVar's aggregate classification.
Comment: This variant deletes 1 nucleotide in exon 10 of the BRCA2 gene, creating a frameshift and premature translation stop signal. This variant is expected to result in an absent or non-functional protein product. To our knowledge, this variant has not been reported in individuals affected with hereditary cancer in the literature. This variant has not been identified in the general population by the Genome Aggregation Database (gnomAD). Loss of BRCA2 function is a known mechanism of disease. Based on the available evidence, this variant is classified as Pathogenic.

ARUP Laboratories, Molecular Genetics and Genomics, ARUP Laboratories
Classification: Pathogenic. Last evaluated: 2016-11-16. Review status: criteria provided, single submitter. Criteria: ARUP Molecular Germline Variant Investigation Process. Collection method: clinical testing. Allele origin: germline. Not counted in ClinVar's aggregate classification.

Molecular Genetics Laboratory, University of Michigan
Classification: Pathogenic for Breast-ovarian cancer, familial, susceptibility to, 2. Last evaluated: 2014-11-03. Review status: criteria provided, single submitter. Criteria: ACMG Guidelines, 2015. Collection method: clinical testing. Allele origin: germline. Affected: yes. Not counted in ClinVar's aggregate classification.

Literature cited by the submitters: PubMed 20104584 (cited by Labcorp Genetics (formerly Invitae), Labcorp).